The following is an entry in ClinVar:

ClinVar aggregate classification (germline): Uncertain significance (1 of 4 stars; one submission).

Conditions:
Aicardi-Goutieres syndrome 7 (AGS7). Identifiers: Orphanet 51, MedGen C3888244, MONDO:0014367, OMIM 615846.
Singleton-Merten syndrome 1 (SGMRT1). Also called: Widened medullary cavities of bone, aortic calcification, abnormal dentition, and muscular weakness; Syndrome of widened medullary cavities of the metacarpals and phalanges, aortic calcification and abnormal dentition. Identifiers: Orphanet 85191, MedGen C4225427, MONDO:0024535, OMIM 182250.

gnomAD v4.1: 4 of 1,595,216 alleles (0.00025%); highest among the groups gnomAD compares: Non-Finnish European, 0.00034%; no homozygotes.

Submission:

Labcorp Genetics (formerly Invitae), Labcorp
Classification: Uncertain significance for Aicardi-Goutieres syndrome 7; Singleton-Merten syndrome 1. Last evaluated: 2025-03-17. Review status: criteria provided, single submitter. Criteria: Invitae Variant Classification Sherloc (09022015). Collection method: clinical testing. Allele origin: germline.
Comment: This sequence change replaces asparagine, which is neutral and polar, with serine, which is neutral and polar, at codon 683 of the IFIH1 protein (p.Asn683Ser). This variant is not present in population databases (gnomAD no frequency). This variant has not been reported in the literature in individuals affected with IFIH1-related conditions. Invitae Evidence Modeling of protein sequence and biophysical properties (such as structural, functional, and spatial information, amino acid conservation, physicochemical variation, residue mobility, and thermodynamic stability) has been performed for this missense variant. However, the output from this modeling did not meet the statistical confidence thresholds required to predict the impact of this variant on IFIH1 protein function. In summary, the available evidence is currently insufficient to determine the role of this variant in disease. Therefore, it has been classified as a Variant of Uncertain Significance.

NM_022168.4(IFIH1):c.2048A>G (p.Asn683Ser)

Gene: IFIH1 (interferon induced with helicase C domain 1; minus strand). Cytogenetic location: 2q24.2.
Variant type: single nucleotide variant.
Coding change: c.2048A>G on transcript NM_022168.4 (MANE Select); coding-DNA position 2048, A replaced by G.
Protein change: p.Asn683Ser; replaces asparagine 683 with serine.
Molecular consequence: missense variant.
Genome position (GRCh38, 1-based): chr2:162,276,943, T>C on the plus strand (A>G on the coding strand, the complement: IFIH1 is on the minus strand). VCF-style: chr2-162276943-T-C. GRCh37 (hg19) VCF-style: chr2-163133453-T-C.
Other names: short protein forms N683S.
Identifiers: ClinVar variation 4782524 (VCV004782524.1).